The following is an entry in ClinVar:

NM_001082486.2(ACD):c.399_400insAAG (p.Leu133_Arg134insLys)

Gene: ACD (ACD shelterin complex subunit and telomerase recruitment factor; minus strand). Cytogenetic location: 16q22.1.
Variant type: Insertion.
Coding change: c.399_400insAAG on transcript NM_001082486.2 (MANE Select); coding-DNA positions 399 to 400, AAG inserted.
Protein change: p.Leu133_Arg134insLys.
Molecular consequence: inframe insertion.
Genome position: GRCh38 VCF-style: chr16-67659550-G-GCTT. GRCh37 (hg19) VCF-style: chr16-67693453-G-GCTT.
Other names: c.390_391insAAG, p.Leu130_Arg131insLys (NM_022914.3).
Identifiers: ClinVar variation 835919 (VCV000835919.10), dbSNP rs781239912, ClinGen allele CA8114719.
Genomic context (GRCh38, chr16:67,659,550, plus strand): 5'-CCAGGCTGGGGTGGGGAGAGCTGCTGGAGGGCGGAGGCATCACTTACCAACCAGGCACCC[G>GCTT]TAGCCGGGGCTGCTCCGTGGGCAGCAGGCTGAAGCGGTCCACCTGGAGATAGAACTCTGC-3'

ClinVar aggregate classification (germline): Uncertain significance (1 of 4 stars; one submission).

Conditions:
Dyskeratosis congenita, autosomal dominant 6 (DKCA6). Identifiers: Orphanet 3322, MedGen C4225284, MONDO:0014690, OMIM 616553.

Allele frequency attached by ClinVar (database versions not stated): gnomAD exomes 0.00002 and 0.00003; TOPMed 0.00003; ExAC 0.00004; gnomAD 0.00004 and 0.00005; ESP Exome Variant Server 0.00008; 1000 Genomes Project 30x 0.00016.

Submission:

Labcorp Genetics (formerly Invitae), Labcorp
Classification: Uncertain significance for Dyskeratosis congenita, autosomal dominant 6. Last evaluated: 2025-08-29. Review status: criteria provided, single submitter. Criteria: Invitae Variant Classification Sherloc (09022015). Collection method: clinical testing. Allele origin: germline.
Comment: This variant, c.657_658insAAG, results in the insertion of 1 amino acid(s) of the ACD protein (p.Leu219_Arg220insLys), but otherwise preserves the integrity of the reading frame. This variant is present in population databases (rs781239912, gnomAD 0.008%). This variant has not been reported in the literature in individuals affected with ACD-related conditions. ClinVar contains an entry for this variant (Variation ID: 835919). Experimental studies and prediction algorithms are not available or were not evaluated, and the functional significance of this variant is currently unknown. In summary, the available evidence is currently insufficient to determine the role of this variant in disease. Therefore, it has been classified as a Variant of Uncertain Significance.